The following is an entry in ClinVar:

ClinVar aggregate classification (germline): Uncertain significance (1 of 4 stars; one submission).

Conditions:
KMT2D-related disorder. Also called: KMT2D-Related Disorders.

Submission:

PreventionGenetics, part of Exact Sciences
Classification: Uncertain significance for KMT2D-related condition. Last evaluated: 2025-09-19. Review status: criteria provided, single submitter. Criteria: ACMG Guidelines, 2015. Collection method: clinical testing. Allele origin: germline.
Comment: The KMT2D c.12403G>A variant is predicted to result in the amino acid substitution p.Ala4135Thr. To our knowledge, this variant has not been reported in the literature or in a large population database (gnomAD), indicating this variant is rare. At this time, the clinical significance of this variant is uncertain due to the absence of conclusive functional and genetic evidence.

NM_003482.4(KMT2D):c.12403G>A (p.Ala4135Thr)

Gene: KMT2D (lysine methyltransferase 2D; minus strand). Cytogenetic location: 12q13.12.
Variant type: single nucleotide variant.
Coding change: c.12403G>A on transcript NM_003482.4 (MANE Select); coding-DNA position 12403, G replaced by A.
Protein change: p.Ala4135Thr; replaces alanine 4135 with threonine.
Molecular consequence: missense variant.
Genome position (GRCh38, 1-based): chr12:49,032,302, C>T on the plus strand (G>A on the coding strand, the complement: KMT2D is on the minus strand). VCF-style: chr12-49032302-C-T. GRCh37 (hg19) VCF-style: chr12-49426085-C-T.
Other names: short protein forms A4135T.
Identifiers: ClinVar variation 4978897 (VCV004978897.1).